The following is an entry in ClinVar:

ClinVar aggregate classification (germline): Uncertain significance (1 of 4 stars; one submission).

Submission:

GeneDx
Classification: Uncertain significance. Last evaluated: 2024-12-03. Review status: criteria provided, single submitter. Criteria: GeneDx Variant Classification Process June 2021. Collection method: clinical testing. Allele origin: germline. Affected: yes.
Comment: Not observed at significant frequency in large population cohorts (gnomAD); In silico analysis supports that this missense variant has a deleterious effect on protein structure/function; Has not been previously published as pathogenic or benign to our knowledge; This variant is associated with the following publications: (PMID: 25512093, 25609763, 26100331)

NM_001376.5(DYNC1H1):c.13139T>G (p.Leu4380Arg)

Gene: DYNC1H1 (dynein cytoplasmic 1 heavy chain 1; plus strand). Cytogenetic location: 14q32.31.
Variant type: single nucleotide variant.
Coding change: c.13139T>G on transcript NM_001376.5 (MANE Select); coding-DNA position 13139, T replaced by G.
Protein change: p.Leu4380Arg; replaces leucine 4380 with arginine.
Molecular consequence: missense variant.
Genome position (GRCh38, 1-based): chr14:102,047,949, T>G. VCF-style: chr14-102047949-T-G. GRCh37 (hg19) VCF-style: chr14-102514286-T-G.
Other names: short protein forms L4380R.
Identifiers: ClinVar variation 3901780 (VCV003901780.1).